The following is an entry in ClinVar:

NM_018699.4(PRDM5):c.440A>G (p.Glu147Gly)

Gene: PRDM5 (PR/SET domain 5; minus strand). Cytogenetic location: 4q27.
Variant type: single nucleotide variant.
Coding change: c.440A>G on transcript NM_018699.4 (MANE Select); coding-DNA position 440, A replaced by G.
Protein change: p.Glu147Gly; replaces glutamic acid 147 with glycine.
Molecular consequence: missense variant.
Genome position (GRCh38, 1-based): chr4:120,821,206, T>C on the plus strand (A>G on the coding strand, the complement: PRDM5 is on the minus strand). VCF-style: chr4-120821206-T-C. GRCh37 (hg19) VCF-style: chr4-121742361-T-C.
Other names: c.440A>G, p.Glu147Gly (NM_001300823.2, NM_001300824.2, NM_001379104.1 and 1 more transcripts); short protein forms E147G.
Identifiers: ClinVar variation 5027259 (VCV005027259.1).

ClinVar aggregate classification (germline): Uncertain significance (1 of 4 stars; one submission).

Conditions:
Cardiovascular phenotype. Identifiers: MedGen CN230736.

Submission:

Ambry Genetics
Classification: Uncertain significance for Cardiovascular phenotype. Last evaluated: 2026-07-09. Review status: criteria provided, single submitter. Criteria: Ambry Variant Classification Scheme 2023. Collection method: clinical testing. Allele origin: germline.
Comment: The p.E147G variant (also known as c.440A>G), located in coding exon 4 of the PRDM5 gene, results from an A to G substitution at nucleotide position 440. The glutamic acid at codon 147 is replaced by glycine, an amino acid with similar properties. This amino acid position is conserved. In addition, this alteration is predicted to be tolerated by in silico analysis. Based on the available evidence, the clinical significance of this variant remains unclear.